The following is an entry in ClinVar:

ClinVar aggregate classification (germline): Uncertain significance (1 of 4 stars; one submission).

Conditions:
Charcot-Marie-Tooth disease axonal type 2O. Also called: CHARCOT-MARIE-TOOTH DISEASE, AXONAL, AUTOSOMAL DOMINANT, TYPE 2O; CHARCOT-MARIE-TOOTH NEUROPATHY, AXONAL, TYPE 2O; Charcot-Marie-Tooth Neuropathy Type 2O; Charcot-Marie-Tooth disease, axonal, type 20. Identifiers: Orphanet 284232, MedGen C3280220, MONDO:0013644, OMIM 614228.

Allele frequency attached by ClinVar (database versions not stated): gnomAD exomes below 0.00001.

Submission:

Labcorp Genetics (formerly Invitae), Labcorp
Classification: Uncertain significance for Charcot-Marie-Tooth disease axonal type 2O. Last evaluated: 2022-09-10. Review status: criteria provided, single submitter. Criteria: Invitae Variant Classification Sherloc (09022015). Collection method: clinical testing. Allele origin: germline.
Comment: In summary, the available evidence is currently insufficient to determine the role of this variant in disease. Therefore, it has been classified as a Variant of Uncertain Significance. Advanced modeling of protein sequence and biophysical properties (such as structural, functional, and spatial information, amino acid conservation, physicochemical variation, residue mobility, and thermodynamic stability) performed at Invitae indicates that this missense variant is not expected to disrupt DYNC1H1 protein function. This variant has not been reported in the literature in individuals affected with DYNC1H1-related conditions. This variant is not present in population databases (gnomAD no frequency). This sequence change replaces arginine, which is basic and polar, with histidine, which is basic and polar, at codon 287 of the DYNC1H1 protein (p.Arg287His).

NM_001376.5(DYNC1H1):c.860G>A (p.Arg287His)

Gene: DYNC1H1 (dynein cytoplasmic 1 heavy chain 1; plus strand). Cytogenetic location: 14q32.31.
Variant type: single nucleotide variant.
Coding change: c.860G>A on transcript NM_001376.5 (MANE Select); coding-DNA position 860, G replaced by A.
Protein change: p.Arg287His; replaces arginine 287 with histidine.
Molecular consequence: missense variant.
Genome position (GRCh38, 1-based): chr14:101,980,449, G>A. VCF-style: chr14-101980449-G-A. GRCh37 (hg19) VCF-style: chr14-102446786-G-A.
Other names: short protein forms R287H.
Identifiers: ClinVar variation 2153984 (VCV002153984.4), dbSNP rs866384751, ClinGen allele CA266973947.